The following is an entry in ClinVar:

ClinVar aggregate classification (germline): Uncertain significance (1 of 4 stars; one submission).

Submission:

GeneDx
Classification: Uncertain significance. Last evaluated: 2024-12-12. Review status: criteria provided, single submitter. Criteria: GeneDx Variant Classification Process June 2021. Collection method: clinical testing. Allele origin: germline. Affected: yes.
Comment: Not observed at significant frequency in large population cohorts (gnomAD); Has not been previously published as pathogenic or benign to our knowledge; Frameshift variant predicted to result in protein truncation or nonsense mediated decay in a gene for which loss-of-function is not a known mechanism of disease

NM_005633.4(SOS1):c.3307dup (p.Ser1103fs)

Gene: SOS1 (SOS Ras/Rac guanine nucleotide exchange factor 1; minus strand). Cytogenetic location: 2p22.1.
Variant type: Duplication.
Coding change: c.3307dup on transcript NM_005633.4 (MANE Select); coding-DNA position 3307, one base duplicated (A; older notation c.3307dupA).
Protein change: p.Ser1103fs; shifts the reading frame from serine 1103.
Molecular consequence: frameshift variant.
Genome position (GRCh38, 1-based): chr2:38,995,162, T duplicated on the plus strand (A on the coding strand, the reverse complement: SOS1 is on the minus strand). VCF-style (leftmost placement, unchanged base first): chr2-38995161-C-CT. GRCh37 (hg19) VCF-style: chr2-39222302-C-CT.
Other names: c.3286dup, p.Ser1096fs (NM_001382394.1); c.3307dup, p.Ser1103fs (NM_001382395.1); short protein forms S1096fs, S1103fs.
Identifiers: ClinVar variation 3903023 (VCV003903023.1).